The following is an entry in ClinVar:

NM_005076.5(CNTN2):c.1642G>A (p.Asp548Asn)

Gene: CNTN2 (contactin 2; plus strand). Cytogenetic location: 1q32.1.
Variant type: single nucleotide variant.
Coding change: c.1642G>A on transcript NM_005076.5 (MANE Select); coding-DNA position 1642, G replaced by A.
Protein change: p.Asp548Asn; replaces aspartic acid 548 with asparagine.
Molecular consequence: missense variant. On other transcripts: non-coding transcript variant (1).
Genome position (GRCh38, 1-based): chr1:205,065,209, G>A. VCF-style: chr1-205065209-G-A. GRCh37 (hg19) VCF-style: chr1-205034337-G-A.
Other names: c.1642G>A, p.Asp548Asn (NM_001346083.2); short protein forms D548N.
Identifiers: ClinVar variation 1405250 (VCV001405250.6), dbSNP rs763451598, ClinGen allele CA1351430.

ClinVar aggregate classification (germline): Uncertain significance (1 of 4 stars; one submission).

Conditions:
Epilepsy, familial adult myoclonic, 5 (EPEO5). Also called: CORTICAL MYOCLONIC TREMOR WITH EPILEPSY, FAMILIAL, 5. Identifiers: Orphanet 86814, MedGen C3809374, MONDO:0014167, OMIM 615400.

Allele frequency attached by ClinVar (database versions not stated): TOPMed below 0.00001; ExAC 0.00001; gnomAD exomes below 0.00001.
gnomAD v4.1: 3 of 1,614,070 alleles (0.00019%); highest among the groups gnomAD compares: East Asian, 0.0022%; no homozygotes.

Submission:

Labcorp Genetics (formerly Invitae), Labcorp
Classification: Uncertain significance for Epilepsy, familial adult myoclonic, 5. Last evaluated: 2022-06-13. Review status: criteria provided, single submitter. Criteria: Invitae Variant Classification Sherloc (09022015). Collection method: clinical testing. Allele origin: germline.
Comment: In summary, the available evidence is currently insufficient to determine the role of this variant in disease. Therefore, it has been classified as a Variant of Uncertain Significance. Advanced modeling of protein sequence and biophysical properties (such as structural, functional, and spatial information, amino acid conservation, physicochemical variation, residue mobility, and thermodynamic stability) performed at Invitae indicates that this missense variant is not expected to disrupt CNTN2 protein function. This variant has not been reported in the literature in individuals affected with CNTN2-related conditions. This variant is present in population databases (rs763451598, gnomAD 0.003%). This sequence change replaces aspartic acid, which is acidic and polar, with asparagine, which is neutral and polar, at codon 548 of the CNTN2 protein (p.Asp548Asn).